The following is an entry in ClinVar:

NM_001122769.3(LCA5):c.1049C>T (p.Thr350Ile)

Gene: LCA5 (lebercilin LCA5; minus strand). Cytogenetic location: 6q14.1.
Variant type: single nucleotide variant.
Coding change: c.1049C>T on transcript NM_001122769.3 (MANE Select); coding-DNA position 1049, C replaced by T.
Protein change: p.Thr350Ile; replaces threonine 350 with isoleucine.
Molecular consequence: missense variant.
Genome position (GRCh38, 1-based): chr6:79,491,637, G>A on the plus strand (C>T on the coding strand, the complement: LCA5 is on the minus strand). VCF-style: chr6-79491637-G-A. GRCh37 (hg19) VCF-style: chr6-80201354-G-A.
Other names: c.1049C>T, p.Thr350Ile (NM_181714.4); short protein forms T350I.
Identifiers: ClinVar variation 358101 (VCV000358101.9), dbSNP rs375310752, ClinGen allele CA3900955.
Genomic context (GRCh38, chr6:79,491,637, plus strand): 5'-GCTAAACTCACCAAAGTAAGATGTCCTGGTTCTTCCCATTTGTTTTCGTAACACATAATT[G>A]TTTCTGGAGTTAAAGGATATTCTTCTGGCTTGAAGTCTTCCATGGTTTGTACTCCTTTTG-3'
Protein context (NP_001116241.1, residues 340-360): KPEEYPLTPE[Thr350Ile]IMCYENKWEE

ClinVar aggregate classification (germline): Uncertain significance. Review status: criteria provided, multiple submitters, no conflicts (2 of 4 stars). 2 submissions from 2 submitters: Uncertain significance (2). Last evaluated 2021-09-17.

Conditions:
Leber congenital amaurosis 5 (LCA5). Also called: Amaurosis congenita of Leber, type 5. Identifiers: Orphanet 65, MedGen C1858301, MONDO:0011473, OMIM 604537.

Allele frequency attached by ClinVar (database versions not stated): gnomAD exomes below 0.00001; ExAC 0.00001; TOPMed 0.00001; ESP Exome Variant Server 0.00008.
gnomAD v4.1: 5 of 1,613,126 alleles (0.00031%); highest among the groups gnomAD compares: Admixed American, 0.0017%; no homozygotes.

Submissions (2):

Labcorp Genetics (formerly Invitae), Labcorp
Classification: Uncertain significance. Last evaluated: 2021-09-17. Review status: criteria provided, single submitter. Criteria: Invitae Variant Classification Sherloc (09022015). Collection method: clinical testing. Allele origin: germline.
Comment: This sequence change replaces threonine with isoleucine at codon 350 of the LCA5 protein (p.Thr350Ile). The threonine residue is highly conserved and there is a moderate physicochemical difference between threonine and isoleucine. This variant is present in population databases (rs375310752, ExAC 0.001%). This variant has not been reported in the literature in individuals with LCA5-related conditions. ClinVar contains an entry for this variant (Variation ID: 358101). Algorithms developed to predict the effect of missense changes on protein structure and function are either unavailable or do not agree on the potential impact of this missense change (SIFT: "Deleterious"; PolyPhen-2: "Benign"; Align-GVGD: "Class C0"). In summary, the available evidence is currently insufficient to determine the role of this variant in disease. Therefore, it has been classified as a Variant of Uncertain Significance.

Illumina Laboratory Services, Illumina
Classification: Uncertain significance for Leber congenital amaurosis 5. Last evaluated: 2018-01-12. Review status: criteria provided, single submitter. Criteria: ICSL Variant Classification Criteria 13 December 2019. Collection method: clinical testing. Allele origin: germline.